The following is an entry in ClinVar:

NM_006031.6(PCNT):c.1321A>C (p.Ser441Arg)

Gene: PCNT (pericentrin; plus strand). Cytogenetic location: 21q22.3.
Variant type: single nucleotide variant.
Coding change: c.1321A>C on transcript NM_006031.6 (MANE Select); coding-DNA position 1321, A replaced by C.
Protein change: p.Ser441Arg; replaces serine 441 with arginine.
Molecular consequence: missense variant.
Genome position (GRCh38, 1-based): chr21:46,349,797, A>C. VCF-style: chr21-46349797-A-C. GRCh37 (hg19) VCF-style: chr21-47769711-A-C.
Other names: c.967A>C, p.Ser323Arg (NM_001315529.2); short protein forms S323R, S441R.
Identifiers: ClinVar variation 3350412 (VCV003350412.2).
Genomic context (GRCh38, chr21:46,349,797, plus strand): 5'-GAAGACCTGCAGTCCGAGCACGGCCGGTGTTTAGAAGACTTGGAGTTCAAGTTCAAAGAG[A>C]GCGAGAAAGAAAAACAGCTGGAGGTGGGCAGCAGCTTCGTTATTTAATTACTTGGTATAT-3'
Protein context (NP_006022.3, residues 431-451): LEDLEFKFKE[Ser441Arg]EKEKQLELEN

ClinVar aggregate classification (germline): Uncertain significance (1 of 4 stars; one submission).

Conditions:
PCNT-related disorder. Also called: PCNT-related condition.

gnomAD v4.1: 9 of 1,614,176 alleles (0.00056%); highest among the groups gnomAD compares: Admixed American, 0.015%; no homozygotes.

Submission:

PreventionGenetics, part of Exact Sciences
Classification: Uncertain significance for PCNT-related condition. Last evaluated: 2026-09-21. Review status: criteria provided, single submitter. Criteria: ACMG Guidelines, 2015. Collection method: clinical testing. Allele origin: germline.
Comment: The PCNT c.1321A>C variant is predicted to result in the amino acid substitution p.Ser441Arg. To our knowledge, this variant has not been reported in the literature. This variant is reported in 0.017% of alleles in individuals of Latino descent in gnomAD. At this time, the clinical significance of this variant is uncertain due to the absence of conclusive functional and genetic evidence.